The following is an entry in ClinVar:

ClinVar aggregate classification (germline): Uncertain significance (1 of 4 stars; one submission).

Conditions:
Hereditary cancer-predisposing syndrome. Also called: Tumor predisposition; Neoplastic Syndromes, Hereditary; Hereditary Cancer Syndrome; Hereditary neoplastic syndrome. Identifiers: Orphanet 140162, MedGen C0027672, MeSH D009386, MONDO:0015356.

Submission:

Ambry Genetics
Classification: Uncertain significance for Hereditary cancer-predisposing syndrome. Last evaluated: 2024-09-08. Review status: criteria provided, single submitter. Criteria: Ambry Variant Classification Scheme 2023. Collection method: clinical testing. Allele origin: germline.
Comment: The p.D783N variant (also known as c.2347G>A), located in coding exon 14 of the DICER1 gene, results from a G to A substitution at nucleotide position 2347. The aspartic acid at codon 783 is replaced by asparagine, an amino acid with highly similar properties. This amino acid position is conserved. In addition, this alteration is predicted to be tolerated by in silico analysis. Based on the available evidence, the clinical significance of this variant remains unclear.

NM_177438.3(DICER1):c.2347G>A (p.Asp783Asn)

Gene: DICER1 (dicer 1, ribonuclease III; minus strand). Cytogenetic location: 14q32.13.
Variant type: single nucleotide variant.
Coding change: c.2347G>A on transcript NM_177438.3 (MANE Select); coding-DNA position 2347, G replaced by A.
Protein change: p.Asp783Asn; replaces aspartic acid 783 with asparagine.
Molecular consequence: missense variant. On other transcripts: non-coding transcript variant (6).
Genome position (GRCh38, 1-based): chr14:95,108,413, C>T on the plus strand (G>A on the coding strand, the complement: DICER1 is on the minus strand). VCF-style: chr14-95108413-C-T. GRCh37 (hg19) VCF-style: chr14-95574750-C-T.
Other names: c.2347G>A, p.Asp783Asn (NM_001195573.1, NM_001271282.3, NM_001291628.2 and 12 more transcripts); c.2065G>A, p.Asp689Asn (NM_001395686.1); c.1942G>A, p.Asp648Asn (NM_001395687.1, NM_001395688.1, NM_001395689.1 and 2 more transcripts); c.1780G>A, p.Asp594Asn (NM_001395691.1); c.664G>A, p.Asp222Asn (NM_001395697.1); short protein forms D594N, D783N, D222N, D689N, D648N.
Identifiers: ClinVar variation 3501900 (VCV003501900.1).